The following is an entry in ClinVar:

ClinVar aggregate classification (germline): Uncertain significance. Review status: criteria provided, single submitter (1 of 4 stars). 2 submissions from 2 submitters: Uncertain significance (1). 1 of the submissions does not count toward it. Last evaluated 2024-02-23.

Conditions:
Retinitis pigmentosa 25 (RP25). Identifiers: Orphanet 791, MedGen C1864446, MONDO:0011272, OMIM 602772.

Allele frequency attached by ClinVar (database versions not stated): gnomAD exomes below 0.00001; gnomAD 0.00001.
gnomAD v4.1: 5 of 1,551,492 alleles (0.00032%); highest among the groups gnomAD compares: African/African-American, 0.0041%; no homozygotes.

Submissions (2):

Labcorp Genetics (formerly Invitae), Labcorp
Classification: Uncertain significance. Last evaluated: 2024-02-23. Review status: criteria provided, single submitter. Criteria: Invitae Variant Classification Sherloc (09022015). Collection method: clinical testing. Allele origin: germline.
Comment: This sequence change replaces arginine, which is basic and polar, with tryptophan, which is neutral and slightly polar, at codon 2434 of the EYS protein (p.Arg2434Trp). This variant is present in population databases (no rsID available, gnomAD 0.01%). This variant has not been reported in the literature in individuals affected with EYS-related conditions. ClinVar contains an entry for this variant (Variation ID: 1019916). Algorithms developed to predict the effect of missense changes on protein structure and function output the following: SIFT: "Not Available"; PolyPhen-2: "Probably Damaging"; Align-GVGD: "Not Available". The tryptophan amino acid residue is found in multiple mammalian species, which suggests that this missense change does not adversely affect protein function. In summary, the available evidence is currently insufficient to determine the role of this variant in disease. Therefore, it has been classified as a Variant of Uncertain Significance.

Natera, Inc.
Classification: Uncertain significance for Retinitis pigmentosa type 25. Last evaluated: 2021-03-09. Review status: no assertion criteria provided. Collection method: clinical testing. Allele origin: germline. Not counted in ClinVar's aggregate classification.

NM_001142800.2(EYS):c.7300C>T (p.Arg2434Trp)

Gene: EYS (EGF-like photoreceptor maintenance factor; minus strand). Cytogenetic location: 6q12.
Variant type: single nucleotide variant.
Coding change: c.7300C>T on transcript NM_001142800.2 (MANE Select); coding-DNA position 7300, C replaced by T.
Protein change: p.Arg2434Trp; replaces arginine 2434 with tryptophan.
Molecular consequence: missense variant.
Genome position (GRCh38, 1-based): chr6:63,806,301, G>A on the plus strand (C>T on the coding strand, the complement: EYS is on the minus strand). VCF-style: chr6-63806301-G-A. GRCh37 (hg19) VCF-style: chr6-64516194-G-A.
Other names: c.7300C>T, p.Arg2434Trp (NM_001292009.2); short protein forms R2434W.
Identifiers: ClinVar variation 1019916 (VCV001019916.9), dbSNP rs1234060098, ClinGen allele CA364387871.
Genomic context (GRCh38, chr6:63,806,301, plus strand): 5'-GGTTGTTTGCCAGCTGAAACTTCAGGTGGAATTCATAATGGAAGCTGATGTCTGAGATCC[G>A]TGAATAAGCCAGGAATGAGGTGTATCCAAAGGCATCTGTGCCACTGAACCTTGGCTGAGT-3'
Protein context (NP_001136272.1, residues 2424-2444): FGYTSFLAYS[Arg2434Trp]ISDISFHYEF